The following is an entry in ClinVar:

ClinVar aggregate classification (germline): Likely pathogenic (1 of 4 stars; one submission).

Submission:

GeneDx
Classification: Likely pathogenic. Last evaluated: 2016-12-28. Review status: criteria provided, single submitter. Criteria: GeneDx Variant Classification (06012015). Collection method: clinical testing. Allele origin: germline. Affected: yes.
Comment: Although the c.1859-1 G>A likely pathogenic variant in the ELN gene has not been reported as a pathogenic variant or as a benign variant to our knowledge, this varaint destroys the canonical splice acceptor site in intron 27 and is predicted to cause abnormal gene splicing. Other pathogenic splice site variants in the ELN gene have been reported in the Human Gene Mutation Database in association with disease (Stenson et al., 2014). Furthermore, the c.1859-1 G>A likely pathogenic variant was not observed in approximately 6,300 individuals of European and African American ancestry in the NHLBI Exome Sequencing Project, indicating it is not a common benign variant in these populations.While the c.1859-1 G>A variant has not been published, it is expected to be pathogenic, as loss of function variants in this gene are strongly associated with this phenotype.

NM_000501.4(ELN):c.1859-1G>A

Gene: ELN (elastin; plus strand). Cytogenetic location: 7q11.23.
Variant type: single nucleotide variant.
Coding change: c.1859-1G>A on transcript NM_000501.4 (MANE Select); the canonical splice acceptor site of the intron before coding-DNA position 1859, G replaced by A.
Molecular consequence: splice acceptor variant.
Genome position (GRCh38, 1-based): chr7:74,063,309, G>A. VCF-style: chr7-74063309-G-A. GRCh37 (hg19) VCF-style: chr7-73477639-G-A.
Other names: c.1874-1G>A (NM_001081754.3); c.1817-1G>A (NM_001081753.3); c.2045-1G>A (NM_001278939.2); c.1877-1G>A (NM_001278915.2); c.1859-1G>A (NM_001278912.2); c.1802-1G>A (NM_001081755.3); c.1715-1G>A (NM_001278916.2); c.1616-1G>A (NM_001278913.2); and 4 more.
Identifiers: ClinVar variation 213181 (VCV000213181.2), dbSNP rs863223516, ClinGen allele CA323655.
Genomic context (GRCh38, chr7:74,063,309, plus strand): 5'-AGGGTGGGGAGGGAATCTAACCAGTACAGAGTGCCTCCCTGAACTCGGTCTGTGTTCCCA[G>A]GAGCCGGACCCGCCGCCGCCGCTGCCGCAGCCAAAGCTGCTGCCAAAGCCGCCCAGTTTG-3'